The following is an entry in ClinVar:

ClinVar aggregate classification (germline): Uncertain significance. Review status: criteria provided, multiple submitters, no conflicts (2 of 4 stars). 2 submissions from 2 submitters: Uncertain significance (2). Last evaluated 2024-09-30.

Conditions:
Jeune thoracic dystrophy. Also called: Infantile thoracic dystrophy; Thoracic pelvic phalangeal dystrophy; Jeune's syndrome; Chondroectodermal dysplasia-like syndrome; Short-rib thoracic dysplasia; Jeune syndrome. Identifiers: Orphanet 474, MedGen C0265275, MONDO:0018770.
Inborn genetic diseases. Identifiers: MedGen C0950123, MeSH D030342.

Submissions (2):

Ambry Genetics
Classification: Uncertain significance for Inborn genetic diseases. Last evaluated: 2024-09-30. Review status: criteria provided, single submitter. Criteria: Ambry Variant Classification Scheme 2023. Collection method: clinical testing. Allele origin: germline.

Labcorp Genetics (formerly Invitae), Labcorp
Classification: Uncertain significance for Jeune thoracic dystrophy. Last evaluated: 2021-12-27. Review status: criteria provided, single submitter. Criteria: Invitae Variant Classification Sherloc (09022015). Collection method: clinical testing. Allele origin: germline.
Comment: In summary, the available evidence is currently insufficient to determine the role of this variant in disease. Therefore, it has been classified as a Variant of Uncertain Significance. Algorithms developed to predict the effect of missense changes on protein structure and function are either unavailable or do not agree on the potential impact of this missense change (SIFT: "Deleterious"; PolyPhen-2: "Benign"; Align-GVGD: "Class C15"). This variant has not been reported in the literature in individuals affected with DYNC2H1-related conditions. This variant is not present in population databases (gnomAD no frequency). This sequence change replaces aspartic acid, which is acidic and polar, with glycine, which is neutral and non-polar, at codon 4184 of the DYNC2H1 protein (p.Asp4184Gly).

NM_001377.3(DYNC2H1):c.12530A>G (p.Asp4177Gly)

Gene: DYNC2H1 (dynein cytoplasmic 2 heavy chain 1; plus strand). Cytogenetic location: 11q22.3.
Variant type: single nucleotide variant.
Coding change: c.12530A>G on transcript NM_001377.3 (MANE Select); coding-DNA position 12530, A replaced by G.
Protein change: p.Asp4177Gly; replaces aspartic acid 4177 with glycine.
Molecular consequence: missense variant.
Genome position (GRCh38, 1-based): chr11:103,455,259, A>G. VCF-style: chr11-103455259-A-G. GRCh37 (hg19) VCF-style: chr11-103325987-A-G.
Other names: c.12551A>G (NM_001080463.1); c.12551A>G, p.Asp4184Gly (NM_001080463.2); short protein forms D4184G, D4177G.
Identifiers: ClinVar variation 2062437 (VCV002062437.5), dbSNP rs1396119791, ClinGen allele CA382289584.